The following is an entry in ClinVar:

ClinVar aggregate classification (germline): Likely benign. Review status: criteria provided, multiple submitters, no conflicts (2 of 4 stars). 2 submissions from 2 submitters: Likely benign (2). Last evaluated 2026-03-01.

Conditions:
Developmental and epileptic encephalopathy, 34 (DEE34). Also called: Early infantile epileptic encephalopathy 34; SLC12A5-Related Epilepsy of Infancy with Migrating Focal Seizures. Identifiers: Orphanet 293181, MedGen C4225257, MONDO:0014718, OMIM 616645.

gnomAD v4.1: 10 of 1,609,210 alleles (0.00062%); highest among the groups gnomAD compares: Non-Finnish European, 0.00085%; no homozygotes.

Submissions (2):

CeGaT Center for Human Genetics Tuebingen
Classification: Likely benign. Last evaluated: 2026-03-01. Review status: criteria provided, single submitter. Criteria: CeGaT Center For Human Genetics Tuebingen Variant Classification Criteria Version 2. Collection method: clinical testing. Allele origin: germline. Affected: yes. Observed: 1 variant allele.
Comment: SLC12A5: BP4, BP7

Labcorp Genetics (formerly Invitae), Labcorp
Classification: Likely benign for Developmental and epileptic encephalopathy, 34. Last evaluated: 2024-10-30. Review status: criteria provided, single submitter. Criteria: Invitae Variant Classification Sherloc (09022015). Collection method: clinical testing. Allele origin: germline.

NM_020708.5(SLC12A5):c.2202G>A (p.Glu734=)

Gene: SLC12A5 (solute carrier family 12 member 5; plus strand). Cytogenetic location: 20q13.12.
Variant type: single nucleotide variant.
Coding change: c.2202G>A on transcript NM_020708.5 (MANE Select); coding-DNA position 2202, G replaced by A.
Protein change: p.Glu734=; no amino-acid change (glutamic acid 734 retained).
Molecular consequence: synonymous variant.
Genome position (GRCh38, 1-based): chr20:46,051,695, G>A. VCF-style: chr20-46051695-G-A. GRCh37 (hg19) VCF-style: chr20-44680334-G-A.
Other names: c.2271G>A, p.Glu757= (NM_001134771.2).
Identifiers: ClinVar variation 1114263 (VCV001114263.13), dbSNP rs2145501982, ClinGen allele CA510655584.